The following is an entry in ClinVar:

ClinVar aggregate classification (germline): Benign (1 of 4 stars; one submission).

Conditions:
Charcot-Marie-Tooth disease type 4H (CMT4H). Also called: CHARCOT-MARIE-TOOTH DISEASE, AUTOSOMAL RECESSIVE, TYPE 4H; CHARCOT-MARIE-TOOTH DISEASE, DEMYELINATING, AUTOSOMAL RECESSIVE, TYPE 4H; CHARCOT-MARIE-TOOTH NEUROPATHY, TYPE 4H; CHARCOT-MARIE-TOOTH DISEASE, DEMYELINATING, TYPE 4H. Identifiers: Orphanet 99954, MedGen C1836336, MONDO:0012250, OMIM 609311.

Allele frequency attached by ClinVar (database versions not stated): gnomAD 0.03301 and 0.03539; 1000 Genomes Project 0.03355; 1000 Genomes Project 30x 0.03560; TOPMed 0.03707.

Submission:

Illumina Laboratory Services, Illumina
Classification: Benign for Charcot-Marie-Tooth disease type 4H. Last evaluated: 2018-01-12. Review status: criteria provided, single submitter. Criteria: ICSL Variant Classification Criteria 13 December 2019. Collection method: clinical testing. Allele origin: germline.
Comment: This variant was observed in the ICSL laboratory as part of a predisposition screen in an ostensibly healthy population. It had not been previously curated by ICSL or reported in the Human Gene Mutation Database (HGMD: prior to June 1st, 2018), and was therefore a candidate for classification through an automated scoring system. Utilizing variant allele frequency, disease prevalence and penetrance estimates, and inheritance mode, an automated score was calculated to assess if this variant is too frequent to cause the disease. Based on the score and internal cut-off values, a variant classified as benign is not then subjected to further curation. The score for this variant resulted in a classification of benign for this disease.

NM_001370298.3(FGD4):c.*4128C>T

Gene: FGD4 (FYVE, RhoGEF and PH domain containing 4; plus strand). Cytogenetic location: 12p11.21.
Variant type: single nucleotide variant.
Coding change: c.*4128C>T on transcript NM_001370298.3 (MANE Select); 4128 bases downstream of the stop codon, C replaced by T.
Molecular consequence: 3 prime UTR variant.
Genome position (GRCh38, 1-based): chr12:32,644,661, C>T. VCF-style: chr12-32644661-C-T. GRCh37 (hg19) VCF-style: chr12-32797595-C-T.
Other names: c.*4128C>T (NM_001304481.2, NM_001304484.2, NM_001330373.2 and 5 more transcripts); c.*36C>T (NM_001384126.1, NM_001384127.1, NM_001384128.1).
Identifiers: ClinVar variation 308357 (VCV000308357.5), dbSNP rs12312970, ClinGen allele CA10640947.
Genomic context (GRCh38, chr12:32,644,661, plus strand): 5'-AGAGAGGAATAAGATAAGAAACTGAAACAAGCAAGAATGAAGAGAGATGTGGGGGAGAGA[C>T]TGCTGGTCTCCAGACCACAGCAATGTGTTTTAAGATAAGATGAAATATTTTAACTGCAGA-3'